The following is an entry in ClinVar:

NM_024675.4(PALB2):c.18G>T (p.Gly6=)

Gene: PALB2 (partner and localizer of BRCA2; minus strand). Cytogenetic location: 16p12.2.
Variant type: single nucleotide variant.
Coding change: c.18G>T on transcript NM_024675.4 (MANE Select); coding-DNA position 18, G replaced by T.
Protein change: p.Gly6=; no amino-acid change (glycine 6 retained).
Molecular consequence: synonymous variant.
Genome position (GRCh38, 1-based): chr16:23,641,140, C>A on the plus strand (G>T on the coding strand, the complement: PALB2 is on the minus strand). VCF-style: chr16-23641140-C-A. GRCh37 (hg19) VCF-style: chr16-23652461-C-A.
Other names: c.-851G>T (NM_001407308.1).
Identifiers: ClinVar variation 142432 (VCV000142432.37), dbSNP rs587782462, ClinGen allele CA168342.

ClinVar aggregate classification (germline): Pathogenic/Likely pathogenic. Review status: criteria provided, multiple submitters, no conflicts (2 of 4 stars). 16 submissions from 16 submitters: Pathogenic (4); Likely pathogenic (10). 2 of the submissions do not count toward it. Last evaluated 2025-11-24.

Conditions:
Familial cancer of breast. Also called: hereditary breast carcinoma; BREAST CANCER, FAMILIAL; Hereditary breast cancer. Identifiers: Orphanet 227535, MedGen C0346153, MONDO:0016419, OMIM 114480. Disease mechanism: loss of function.
Pancreatic cancer, susceptibility to, 3. Identifiers: Orphanet 1333, MedGen C3150547, MONDO:0013236, OMIM 613348.
Hereditary cancer-predisposing syndrome. Also called: Neoplastic Syndromes, Hereditary; Tumor predisposition; Hereditary neoplastic syndrome; Hereditary Cancer Syndrome. Identifiers: Orphanet 140162, MedGen C0027672, MeSH D009386, MONDO:0015356.
Hereditary breast ovarian cancer syndrome. Also called: BRCA1- and BRCA2-Associated Hereditary Breast and Ovarian Cancer; Hereditary breast and ovarian cancer; Hereditary breast and ovarian cancer syndrome (HBOC); Breast and ovarian cancer; Hereditary breast and ovarian cancer syndrome; Hereditary breast and/or ovarian cancer syndrome. Identifiers: Orphanet 145, MedGen C0677776, MeSH D061325, MONDO:0003582. Disease mechanism: loss of function.

Submissions (16):

Labcorp Genetics (formerly Invitae), Labcorp
Classification: Pathogenic for Familial cancer of breast. Last evaluated: 2025-11-24. Review status: criteria provided, single submitter. Criteria: Invitae Variant Classification Sherloc (09022015). Collection method: clinical testing. Allele origin: germline.
Comment: This sequence change affects codon 6 of the PALB2 mRNA. It is a 'silent' change, meaning that it does not change the encoded amino acid sequence of the PALB2 protein. RNA analysis indicates that this variant induces altered splicing and may result in an absent or altered protein product. This variant is not present in population databases (gnomAD no frequency). This variant has been observed in individual(s) with pancreatic, thyroid, and/or breast cancer (PMID: 30255452, 32728620). ClinVar contains an entry for this variant (Variation ID: 142432). Studies have shown that this variant results in activation of a cryptic splice site, and produces a non-functional protein and/or introduces a premature termination codon (PMID: 30255452; internal data). For these reasons, this variant has been classified as Pathogenic.

Ambry Genetics
Classification: Likely pathogenic for Hereditary cancer-predisposing syndrome. Last evaluated: 2025-08-06. Review status: criteria provided, single submitter. Criteria: Ambry Variant Classification Scheme 2023. Collection method: clinical testing. Allele origin: germline.
Comment: The c.18G>T variant (also known as p.G6G), located in coding exon 1, results from a G to T substitution at nucleotide position 18 of the PALB2 gene. This nucleotide substitution does not change the glycine at codon 6. This variant was identified in an individual with a personal history of thyroid and pancreatic cancer as well as a family history of breast and pancreatic cancer (Yang C et al. Breast Cancer Res. Treat. 2018 Sep; Epub ahead of print). This variant was also identified amongst multiple breast cancer cohorts (Hauke J et al. Cancer Med. 2018 04;7:1349-1358; Kuemmel S et al. NPJ Breast Cancer. 2020 Jul;6:31). This nucleotide position is not well conserved in available vertebrate species. In silico splice site analysis predicts that this alteration will weaken the native splice donor site and will result in the creation or strengthening of a novel splice donor site. RNA analyses have shown that this alteration creates a cryptic splice donor site resulting in a deletion of part of exon 1, a reading frame shift, and a premature stop codon (p.G6Vfs*26) (Yang C et al. Breast Cancer Res. Treat. 2018 Sep; Ambry internal data). This variant is considered to be rare based on population cohorts in the Genome Aggregation Database (gnomAD). Based on the majority of available evidence to date, this variant is likely to be pathogenic.

Institute of Human Genetics, FAU Erlangen, Friedrich-Alexander-Universität Erlangen-Nürnberg
Classification: Likely pathogenic. Last evaluated: 2025-05-30. Review status: criteria provided, single submitter. Criteria: Hauer et al. (Genet Med. 2018). Collection method: clinical testing. Allele origin: germline. Inheritance: Unknown mechanism. Affected: yes. Observed: 1 variant allele.
Comment: This variant has been identified by standard clinical testing.

Clinical Genetics Laboratory, University Hospital Schleswig-Holstein
Classification: Pathogenic for Pancreatic cancer, susceptibility to, 3; Familial cancer of breast. Last evaluated: 2025-05-21. Review status: criteria provided, single submitter. Criteria: ACMG Guidelines, 2015. Collection method: clinical testing. Allele origin: germline. Affected: yes. Observed: 2 heterozygotes.
Comment: ACMG criteria applied: PM2, PS4, PVS1

GeneDx
Classification: Likely pathogenic. Last evaluated: 2025-04-30. Review status: criteria provided, single submitter. Criteria: GeneDx Variant Classification Process June 2021. Collection method: clinical testing. Allele origin: germline. Affected: yes.
Comment: Exonic variant demonstrated to result in aberrant splicing leading to a predicted null allele in a gene for which loss-of-function is a known mechanism of disease (PMID: 30255452); Not observed at significant frequency in large population cohorts (gnomAD); In silico analysis supports a deleterious effect on splicing; This variant is associated with the following publications: (PMID: 29522266, 30441849, 32728620, 30255452, 37628606)

Center for Genomic Medicine, Rigshospitalet, Copenhagen University Hospital
Classification: Likely pathogenic. Last evaluated: 2025-03-04. Review status: criteria provided, single submitter. Criteria: ACMG Guidelines, 2015. Collection method: clinical testing. Allele origin: germline.

Myriad Genetics, Inc.
Classification: Likely pathogenic for Familial cancer of breast. Last evaluated: 2023-09-05. Review status: criteria provided, single submitter. Criteria: Myriad Autosomal Dominant, Autosomal Recessive and X-Linked Classification Criteria (2023). Collection method: clinical testing. Allele origin: unknown.
Comment: This variant is considered likely pathogenic. mRNA analysis has demonstrated abnormal mRNA splicing occurs [Myriad internal data].

Baylor Genetics
Classification: Pathogenic for Familial cancer of breast. Last evaluated: 2023-08-30. Review status: criteria provided, single submitter. Criteria: ACMG Guidelines, 2015. Collection method: clinical testing. Allele origin: unknown.

Quest Diagnostics Nichols Institute San Juan Capistrano
Classification: Pathogenic. Last evaluated: 2023-04-24. Review status: criteria provided, single submitter. Criteria: Quest Diagnostics criteria. Collection method: clinical testing. Allele origin: unknown.
Comment: The PALB2 c.18G>T (p.Gly6=) synonymous variant has not been reported in large, multi-ethnic general populations (Genome Aggregation Database). In the published literature, this variant has been identified in individuals with breast and ovarian cancer (PMIDs: 32728620 (2020), 30441849 (2018), 29522266 (2018)), and to segregate with disease in a family with pancreatic, thyroid, and breast cancer (PMID: 30255452 (2019)). Experimental studies indicated this variant disrupted PALB2 mRNA splicing, resulting in a frameshift and premature termination of PALB2 protein synthesis (PMID: 30255452 (2019)). Based on the available information, this variant is classified as pathogenic.

Clinical Genetics Laboratory, Skane University Hospital Lund
Classification: Likely pathogenic. Last evaluated: 2022-07-19. Review status: criteria provided, single submitter. Criteria: ACMG Guidelines, 2015. Collection method: clinical testing. Allele origin: germline. Affected: yes.

Women's Health and Genetics/Laboratory Corporation of America, LabCorp
Classification: Likely pathogenic for Hereditary breast ovarian cancer syndrome. Last evaluated: 2022-05-14. Review status: criteria provided, single submitter. Criteria: LabCorp Variant Classification Summary - May 2015. Collection method: clinical testing. Allele origin: germline.
Comment: Variant summary: PALB2 c.18G>T alters a non-conserved nucleotide resulting in a synonymous change. Several computational tools predict a significant impact on normal splicing: Five predict the variant creates a novel exonic 5' splice donor site. At least one publication reports experimental evidence that this variant affects mRNA splicing leading to a deletion of 32 base pairs in exon 1, which leads to a frameshift and truncated protein (Yang_2019). The variant was absent in 247932 control chromosomes. These data indicate that the variant may be associated with disease. Four clinical diagnostic laboratories have submitted clinical-significance assessments for this variant to ClinVar after 2014 (Likely pathogenic, n=3; VUS, n=1). Some submitters cite overlapping evidence utilized in the context of this evaluation. Based on the evidence outlined above, the variant was classified as likely pathogenic.

MGZ Medical Genetics Center
Classification: Likely pathogenic for Familial cancer of breast. Last evaluated: 2022-04-14. Review status: criteria provided, single submitter. Criteria: ACMG Guidelines, 2015. Collection method: clinical testing. Allele origin: germline. Affected: yes. Observed: 1 variant allele.
Comment: ACMG criteria applied: PS3, PS4_SUP, PM2_SUP

Color Diagnostics, LLC DBA Color Health
Classification: Likely pathogenic for Hereditary cancer-predisposing syndrome. Last evaluated: 2022-03-22. Review status: criteria provided, single submitter. Criteria: ACMG Guidelines, 2015. Collection method: clinical testing. Allele origin: germline.
Comment: This synonymous variant causes a G>T nucleotide change in exon 1 of the PALB2 gene. Splice site prediction tools indicate that this variant may activate a cryptic splice donor site 31 nucleotides upstream of the native intron 1 splice donor site. A functional RNA study has shown that this cryptic donor site is used, resulting in a complete disruption of normal splicing in the mutant allele (PMID: 30255452). Among several abnormal transcripts produced from the mutant allele, the major abnormal transcript resulted in a deletion of 32 base pairs in exon 1 and frameshift (r.17_48del; p.Gly6Valfs*26). This variant has not been identified in the general population by the Genome Aggregation Database (gnomAD). Loss of PALB2 function is a known mechanism of disease. Based on the available evidence, this variant is classified as Likely Pathogenic.

Diagnostic Molecular Genetics Laboratory, Memorial Sloan Kettering Cancer Center
Classification: Likely pathogenic for Familial cancer of breast. Last evaluated: 2018-12-14. Review status: criteria provided, single submitter. Criteria: Yang et al. (Breast Cancer Res Treat. 2019). Collection method: clinical testing. Allele origin: unknown. Inheritance: Autosomal dominant inheritance. Affected: yes. Observed: 1 heterozygote.
Comment: Experimental study demonstrated that this variant leads to aberrant splicing and deletion of the 3' end of exon 1. It is predicted to lead to a truncated or absent protein (PMID: 30255452). This variant is classified as likely pathogenic.

Clinical Genetics Laboratory, Department of Pathology, Netherlands Cancer Institute
Classification: Likely pathogenic. Review status: no assertion criteria provided. Collection method: clinical testing. Allele origin: germline. Affected: yes. Study: VKGL Data-share Consensus. Not counted in ClinVar's aggregate classification.

Genome Diagnostics Laboratory, Amsterdam University Medical Center
Classification: Likely pathogenic. Review status: no assertion criteria provided. Collection method: clinical testing. Allele origin: germline. Affected: yes. Study: VKGL Data-share Consensus. Not counted in ClinVar's aggregate classification.

Literature cited by the submitters: PubMed 30255452 (cited by 5 submitters); PubMed 32728620 (cited by 5 submitters); PubMed 29522266 (cited by Ambry Genetics and Quest Diagnostics Nichols Institute San Juan Capistrano); PubMed 30441849 (cited by 3 submitters).